The following is an entry in ClinVar:

ClinVar aggregate classification (germline): Uncertain significance. Review status: criteria provided, multiple submitters, no conflicts (2 of 4 stars). 2 submissions from 2 submitters: Uncertain significance (2). Last evaluated 2022-08-09.

Conditions:
Combined immunodeficiency due to LRBA deficiency. Also called: Common variable immunodeficiency 8, with autoimmunity. Identifiers: Orphanet 445018, MedGen C3553512, MONDO:0013863, OMIM 614700.

Allele frequency attached by ClinVar (database versions not stated): gnomAD 0.00001; ExAC 0.00002; gnomAD exomes 0.00002; 1000 Genomes Project 30x 0.00016; 1000 Genomes Project 0.00020.
gnomAD v4.1: 13 of 1,608,990 alleles (0.00081%); highest among the groups gnomAD compares: South Asian, 0.013%; 1 homozygote.

Submissions (2):

Labcorp Genetics (formerly Invitae), Labcorp
Classification: Uncertain significance for Combined immunodeficiency due to LRBA deficiency. Last evaluated: 2022-08-09. Review status: criteria provided, single submitter. Criteria: Invitae Variant Classification Sherloc (09022015). Collection method: clinical testing. Allele origin: germline.
Comment: This sequence change replaces alanine, which is neutral and non-polar, with glycine, which is neutral and non-polar, at codon 1775 of the LRBA protein (p.Ala1775Gly). This variant is present in population databases (rs552415217, gnomAD 0.01%). This variant has not been reported in the literature in individuals affected with LRBA-related conditions. ClinVar contains an entry for this variant (Variation ID: 1332714). Algorithms developed to predict the effect of missense changes on protein structure and function (SIFT, PolyPhen-2, Align-GVGD) all suggest that this variant is likely to be tolerated. In summary, the available evidence is currently insufficient to determine the role of this variant in disease. Therefore, it has been classified as a Variant of Uncertain Significance.

Kasturba Medical College, Manipal, Kasturba Medical College, Manipal, Manipal Academy of Higher Education, Manipal, India
Classification: Uncertain significance for Combined immunodeficiency due to LRBA deficiency. Review status: criteria provided, single submitter. Criteria: ACMG Guidelines, 2015. Collection method: clinical testing. Allele origin: inherited. Affected: yes.

NM_001364905.1(LRBA):c.5324C>G (p.Ala1775Gly)

Gene: LRBA (LPS responsive beige-like anchor protein; minus strand). Cytogenetic location: 4q31.3.
Variant type: single nucleotide variant.
Coding change: c.5324C>G on transcript NM_001364905.1 (MANE Select); coding-DNA position 5324, C replaced by G.
Protein change: p.Ala1775Gly; replaces alanine 1775 with glycine.
Molecular consequence: missense variant.
Genome position (GRCh38, 1-based): chr4:150,808,380, G>C on the plus strand (C>G on the coding strand, the complement: LRBA is on the minus strand). VCF-style: chr4-150808380-G-C. GRCh37 (hg19) VCF-style: chr4-151729532-G-C.
Other names: c.5324C>G, p.Ala1775Gly (NM_001199282.3, NM_001367550.1, NM_006726.5); short protein forms A1775G.
Identifiers: ClinVar variation 1332714 (VCV001332714.4), dbSNP rs552415217, ClinGen allele CA3102521.